The following is an entry in ClinVar:

NM_000046.5(ARSB):c.1350G>T (p.Trp450Cys)

Gene: ARSB (arylsulfatase B; minus strand). Cytogenetic location: 5q14.1.
Variant type: single nucleotide variant.
Coding change: c.1350G>T on transcript NM_000046.5 (MANE Select); coding-DNA position 1350, G replaced by T.
Protein change: p.Trp450Cys; replaces tryptophan 450 with cysteine.
Molecular consequence: missense variant.
Genome position (GRCh38, 1-based): chr5:78,780,649, C>A on the plus strand (G>T on the coding strand, the complement: ARSB is on the minus strand). VCF-style: chr5-78780649-C-A. GRCh37 (hg19) VCF-style: chr5-78076472-C-A.
Other names: c.1350G>T (NM_000046.4); short protein forms W450C.
Identifiers: ClinVar variation 3605151 (VCV003605151.4).

ClinVar aggregate classification (germline): Pathogenic/Likely pathogenic. Review status: criteria provided, multiple submitters, no conflicts (2 of 4 stars). 2 submissions from 2 submitters: Pathogenic (1); Likely pathogenic (1). Last evaluated 2025-05-15.

Conditions:
Mucopolysaccharidosis type 6 (MPS6). Also called: N-ACETYLGALACTOSAMINE-4-SULFATASE DEFICIENCY; ARSB DEFICIENCY; ARYLSULFATASE B DEFICIENCY; MPS 6; Maroteaux Lamy syndrome; MPS VI. Identifiers: Orphanet 583, MedGen C0026709, MONDO:0009661, OMIM 253200.

gnomAD v4.1: 1 of 1,613,858 alleles (0.000062%); highest among the groups gnomAD compares: East Asian, 0.0022%; no homozygotes.

Submissions (2):

Natera, Inc.
Classification: Likely pathogenic for Mucopolysaccharidosis type VI. Last evaluated: 2025-05-15. Review status: criteria provided, single submitter. Criteria: Natera Variant Classification Schema (03/2026). Collection method: clinical testing. Allele origin: germline.
Comment: The c.1350G>T variant in ARSB is a missense variant predicted to cause substitution of tryptophan to cysteine at amino acid 450. This variant is rare in the general population with a frequency below the threshold expected for the associated phenotype(s). Another variant at this same site results in an alteration predicted to cause a similar molecular effect has been observed in individual(s) with the associated phenotype. Computational prediction algorithms indicate this variant is likely to affect gene or protein function. Given the available evidence, this variant is classified as Likely Pathogenic.

Labcorp Genetics (formerly Invitae), Labcorp
Classification: Pathogenic for Mucopolysaccharidosis type 6. Last evaluated: 2025-01-13. Review status: criteria provided, single submitter. Criteria: Invitae Variant Classification Sherloc (09022015). Collection method: clinical testing. Allele origin: germline.
Comment: This sequence change replaces tryptophan, which is neutral and slightly polar, with cysteine, which is neutral and slightly polar, at codon 450 of the ARSB protein (p.Trp450Cys). This variant is present in population databases (no rsID available, gnomAD 0.06%). A different variant (c.1350G>C) giving rise to the same protein effect has been determined to be pathogenic (PMID: 27826022). This suggests that this variant is also likely to be causative of disease. Invitae Evidence Modeling of protein sequence and biophysical properties (such as structural, functional, and spatial information, amino acid conservation, physicochemical variation, residue mobility, and thermodynamic stability) indicates that this missense variant is expected to disrupt ARSB protein function with a positive predictive value of 95%. For these reasons, this variant has been classified as Pathogenic.

Literature cited by the submitters: PubMed 27826022 (cited by Labcorp Genetics (formerly Invitae), Labcorp).